The following is an entry in ClinVar:

ClinVar aggregate classification (germline): Pathogenic/Likely pathogenic. Review status: criteria provided, multiple submitters, no conflicts (2 of 4 stars). 3 submissions from 3 submitters: Pathogenic (2); Likely pathogenic (1). Last evaluated 2025-10-23.

Conditions:
Anemia, nonspherocytic hemolytic, due to G6PD deficiency (CNSHA1). Also called: ANEMIA, CONGENITAL, NONSPHEROCYTIC HEMOLYTIC, 1; Hemolytic anemia due to G6PD deficiency; Class I glucose-6-phosphate dehydrogenase deficiency; Favism, susceptibility to. Identifiers: Orphanet 466026, MedGen C2720289, MONDO:0010480, OMIM 300908.
G6PD-related disorder. Also called: G6PD-related condition.

Submissions (3):

Greenwood Genetic Center Diagnostic Laboratories, Greenwood Genetic Center
Classification: Likely pathogenic for Anemia, nonspherocytic hemolytic, due to G6PD deficiency. Last evaluated: 2025-10-23. Review status: criteria provided, single submitter. Criteria: ACMG Guidelines, 2015. Collection method: clinical testing. Allele origin: germline. Affected: yes.
Comment: PS4_Moderate, PM1, PM2, PP3

PreventionGenetics, part of Exact Sciences
Classification: Pathogenic for G6PD-related condition. Last evaluated: 2025-07-07. Review status: criteria provided, single submitter. Criteria: ACMG Guidelines, 2015. Collection method: clinical testing. Allele origin: germline.
Comment: The G6PD c.1139T>C variant is predicted to result in the amino acid substitution p.Ile380Thr. This variant, alternatively referred to as "G6PD Riley", has been reported in association with glucose-6-phosphate dehydrogenase deficiency (Beutler et al. 1995. PubMed ID: 7655862; Geck et al. 2023. PubMed ID: 36681081; Lee et al. 2017. PubMed ID: 28028996). This variant has not been reported in a large population database (gnomAD), indicating this variant is rare. This variant is interpreted as pathogenic.

Dunham Lab, University of Washington
Classification: Pathogenic for Anemia, nonspherocytic hemolytic, due to G6PD deficiency. Last evaluated: 2022-08-12. Review status: criteria provided, single submitter. Criteria: Bayesian ACMG Guidelines, 2018. Collection method: curation. Allele origin: inherited. Affected: yes.
Comment: Variant found in unrelated hemizygotes with deficiency and CNSHA (PS4_M, PP4). In one family, all brothers are hemizygotes with anemia and jaundice; 3/4 died as infants (PP1). Decreased activity in red blood cells (11-23%) (PS3). Within dimer interface (PM1). Predicted to be pathogenic or deleterious by several in silico tools (PP3). Not found in gnomAD (PM2). Post_P 0.999 (odds of pathogenicity 13661, Prior_P 0.1).

Literature cited by the submitters: PubMed 28028996 (cited by Dunham Lab, University of Washington); PubMed 7655862 (cited by Dunham Lab, University of Washington); PubMed 31294066 (cited by Dunham Lab, University of Washington).

NM_001360016.2(G6PD):c.1139T>C (p.Ile380Thr)

Gene: G6PD (glucose-6-phosphate dehydrogenase; minus strand). Cytogenetic location: Xq28.
Variant type: single nucleotide variant.
Coding change: c.1139T>C on transcript NM_001360016.2 (MANE Select); coding-DNA position 1139, T replaced by C.
Protein change: p.Ile380Thr; replaces isoleucine 380 with threonine.
Molecular consequence: missense variant.
Genome position (GRCh38, 1-based): chrX:154,532,715, A>G on the plus strand (T>C on the coding strand, the complement: G6PD is on the minus strand). VCF-style: chrX-154532715-A-G. GRCh37 (hg19) VCF-style: chrX-153760930-A-G.
Other names: G6PD Riley; c.1229T>C, p.Ile410Thr (NM_000402.4); c.1139T>C, p.Ile380Thr (NM_001042351.3); short protein forms I380T, I410T.
Identifiers: ClinVar variation 1722669 (VCV001722669.4), dbSNP rs2523262863, ClinGen allele CA415234140.